The following is an entry in ClinVar:

NM_000038.6(APC):c.1822G>A (p.Ala608Thr)

Gene: APC (APC regulator of Wnt signaling pathway; plus strand). Cytogenetic location: 5q22.2.
Variant type: single nucleotide variant.
Coding change: c.1822G>A on transcript NM_000038.6 (MANE Select); coding-DNA position 1822, G replaced by A.
Protein change: p.Ala608Thr; replaces alanine 608 with threonine.
Molecular consequence: missense variant. On other transcripts: non-coding transcript variant (2).
Genome position (GRCh38, 1-based): chr5:112,835,029, G>A. VCF-style: chr5-112835029-G-A. GRCh37 (hg19) VCF-style: chr5-112170726-G-A.
Other names: c.1573G>A, p.Ala525Thr (NM_001407454.1, NM_001407455.1, NM_001407456.1 and 1 more transcripts); c.1519G>A, p.Ala507Thr (NM_001407458.1, NM_001407459.1, NM_001407460.1 and 1 more transcripts); c.1435G>A, p.Ala479Thr (NM_001407467.1, NM_001407469.1); c.973G>A, p.Ala325Thr (NM_001407470.1, NM_001354906.2); c.670G>A, p.Ala224Thr (NM_001407471.1, NM_001407472.1); c.1822G>A (NM_000038.5); c.1822G>A, p.Ala608Thr (NM_001127510.3, NM_001354895.2, NM_001407450.1); c.1768G>A, p.Ala590Thr (NM_001127511.3); and 12 more; short protein forms A224T, A325T, A448T, A479T, A482T, A507T, A517T, A525T.
Identifiers: ClinVar variation 3240288 (VCV003240288.2), dbSNP rs2149842000.

ClinVar aggregate classification (germline): Uncertain significance. Review status: criteria provided, multiple submitters, no conflicts (2 of 4 stars). 2 submissions from 2 submitters: Uncertain significance (2). Last evaluated 2025-09-14.

Conditions:
Familial adenomatous polyposis 1 (FAP1). Also called: POLYPOSIS, ADENOMATOUS INTESTINAL; FAMILIAL ADENOMATOUS POLYPOSIS 1, ATTENUATED. Identifiers: MedGen C2713442, MONDO:0021056, OMIM 175100. Disease mechanism: loss of function.
Hereditary cancer-predisposing syndrome. Also called: Neoplastic Syndromes, Hereditary; Tumor predisposition; Hereditary neoplastic syndrome; Hereditary Cancer Syndrome. Identifiers: Orphanet 140162, MedGen C0027672, MeSH D009386, MONDO:0015356.

Submissions (2):

Ambry Genetics
Classification: Uncertain significance for Hereditary cancer-predisposing syndrome. Last evaluated: 2025-09-14. Review status: criteria provided, single submitter. Criteria: Ambry Variant Classification Scheme 2023. Collection method: clinical testing. Allele origin: germline.
Comment: The p.A608T variant (also known as c.1822G>A), located in coding exon 14 of the APC gene, results from a G to A substitution at nucleotide position 1822. The alanine at codon 608 is replaced by threonine, an amino acid with similar properties. This amino acid position is conserved. In addition, in silico predictors for this gene do not accurately predict pathogenicity. Based on the available evidence, the clinical significance of this variant remains unclear.

Baylor Genetics
Classification: Uncertain significance for Familial adenomatous polyposis 1. Last evaluated: 2023-11-03. Review status: criteria provided, single submitter. Criteria: ACMG Guidelines, 2015. Collection method: clinical testing. Allele origin: unknown.